The following is an entry in ClinVar:

ClinVar aggregate classification (germline): Uncertain significance (1 of 4 stars; one submission).

Conditions:
Glycogen storage disease, type II (IOPD). Also called: Pompe Disease; CARDIOMEGALIA GLYCOGENICA DIFFUSA; GLYCOGENOSIS, GENERALIZED, CARDIAC FORM; GSD II; POMPE DISEASE, INFANTILE-ONSET; GLYCOGEN STORAGE DISEASE II, INFANTILE-ONSET. Identifiers: Orphanet 365, MedGen C0017921, MONDO:0009290, OMIM 232300.

Submission:

Genomenon, Inc
Classification: Uncertain significance for Glycogen storage disease, type II. Last evaluated: 2026-07-01. Review status: criteria provided, single submitter. Criteria: Genomenon Sequence Variant Interpretation Standards - Updated. Collection method: curation. Allele origin: germline. Affected: yes.
Comment: GAA p.Tyr256Asn (c.766T>A) is a missense variant that changes the amino acid at codon 256 from Tyrosine to Asparagine. This variant has been observed in at least one proband with a GAA-related disorder in the compound heterozygous and/or homozygous state (PMID:38162137). It is absent or not present at a significant frequency in gnomAD. In silico models predict that this variant is not damaging. In conclusion, we classify GAA p.Tyr256Asn (c.766T>A) as a variant of uncertain significance.

Literature cited by the submitters: PubMed 38162137.

NM_000152.5(GAA):c.766T>A (p.Tyr256Asn)

Gene: GAA (alpha glucosidase; plus strand). Cytogenetic location: 17q25.3.
Variant type: single nucleotide variant.
Coding change: c.766T>A on transcript NM_000152.5 (MANE Select); coding-DNA position 766, T replaced by A.
Protein change: p.Tyr256Asn; replaces tyrosine 256 with asparagine.
Molecular consequence: missense variant.
Genome position (GRCh38, 1-based): chr17:80,107,630, T>A. VCF-style: chr17-80107630-T-A. GRCh37 (hg19) VCF-style: chr17-78081429-T-A.
Other names: c.766T>A, p.Tyr256Asn (NM_001079803.3, NM_001079804.3, NM_001406741.1 and 1 more transcripts); short protein forms Y256N.
Identifiers: ClinVar variation 4876324 (VCV004876324.1).